The following is an entry in ClinVar:

NM_000545.8(HNF1A):c.700G>T (p.Glu234Ter)

Gene: HNF1A (HNF1 homeobox A; plus strand). Cytogenetic location: 12q24.31.
Variant type: single nucleotide variant.
Coding change: c.700G>T on transcript NM_000545.8 (MANE Select); coding-DNA position 700, G replaced by T.
Protein change: p.Glu234Ter; replaces glutamic acid 234 with a stop codon.
Molecular consequence: nonsense.
Genome position (GRCh38, 1-based): chr12:120,993,693, G>T. VCF-style: chr12-120993693-G-T. GRCh37 (hg19) VCF-style: chr12-121431496-G-T.
Other names: NM_001306179.2:c.700G>T; c.700G>T, p.Glu234Ter (NM_001306179.2, NM_001406915.1); short protein forms E234*.
Identifiers: ClinVar variation 3358870 (VCV003358870.1).

ClinVar aggregate classification (germline): Likely pathogenic (3 of 4 stars; one submission).

Conditions:
Monogenic diabetes. Identifiers: Orphanet 183625, MedGen C3888631, MONDO:0015967.

Submission:

ClinGen Monogenic Diabetes Variant Curation Expert Panel
Classification: Likely pathogenic for Monogenic diabetes. Last evaluated: 2024-09-10. Review status: reviewed by expert panel. Criteria: ClinGen Diabetes ACMG Specifications HNF1A V2.1.0. Collection method: curation. Allele origin: germline. Inheritance: Autosomal dominant inheritance.
Comment: The c.700G>T variant in the HNF1 homeobox A gene, HNF1A, results in a premature termination at codon 234 (p.(Glu234Ter)) of NM_000545.8. This variant, located in biologically-relevant exon 3 of 10, is predicted to lead to nonsense mediated decay in a gene in which loss-of-function is an established disease mechanism (PVS1; PMID: 23348805). This variant is absent in gnomAD v2.1.1 (PM2_Supporting). This variant was identified in an individual with diabetes; however, the MODY probability is unable to be calculated due to lack of clinical information (PMID: 15928245). In summary, c.700G>T meets the criteria to be classified as likely pathogenic for monogenic diabetes. ACMG/AMP criteria applied, as specified by the ClinGen MDEP (specification version 2.1.0, approved 8/11/2023): PVS1, PM2_Supporting.